The following is an entry in ClinVar:

NM_001101.5(ACTB):c.727_730del (p.Pro243fs)

Gene: ACTB (actin beta; minus strand). Cytogenetic location: 7p22.1.
Variant type: Deletion.
Coding change: c.727_730del on transcript NM_001101.5 (MANE Select); coding-DNA positions 727 to 730, 4 bases deleted (CCTG; older notation c.727_730delCCTG).
Protein change: p.Pro243fs; shifts the reading frame from proline 243.
Molecular consequence: frameshift variant.
Genome position (GRCh38, 1-based): chr7:5,528,353-5,528,356, CAGG deleted on the plus strand (CCTG on the coding strand, the reverse complement: ACTB is on the minus strand); deleting any 4 consecutive bases within chr7:5,528,353-5,528,359 gives the same sequence; the c. name uses the placement nearest the transcript's 3' end. VCF-style (leftmost placement, unchanged base first): chr7-5528352-TCAGG-T. GRCh37 (hg19) VCF-style: chr7-5567983-TCAGG-T.
Other names: c.724_727delCTGC, p.Pro243Thrfs (NM_001101.3); short protein forms P243fs.
Identifiers: ClinVar variation 5037566 (VCV005037566.1).

ClinVar aggregate classification (germline): Uncertain significance (1 of 4 stars; one submission).

Submission:

GeneDx
Classification: Uncertain significance. Last evaluated: 2026-04-24. Review status: criteria provided, single submitter. Criteria: GeneDx Variant Classification Process June 2021. Collection method: clinical testing. Allele origin: germline.
Comment: Not observed at significant frequency in large population cohorts (gnomAD); Frameshift variant predicted to result in protein truncation or nonsense mediated decay in a gene or region of a gene for which loss of function is not a well-established mechanism of disease; Has not been previously published as pathogenic or benign to our knowledge